The following is an entry in ClinVar:

NM_006371.5(CRTAP):c.702C>T (p.Pro234=)

Gene: CRTAP (cartilage associated protein; plus strand). Cytogenetic location: 3p22.3.
Variant type: single nucleotide variant.
Coding change: c.702C>T on transcript NM_006371.5 (MANE Select); coding-DNA position 702, C replaced by T.
Protein change: p.Pro234=; no amino-acid change (proline 234 retained).
Molecular consequence: synonymous variant.
Genome position (GRCh38, 1-based): chr3:33,124,488, C>T. VCF-style: chr3-33124488-C-T. GRCh37 (hg19) VCF-style: chr3-33165980-C-T.
Other names: c.702C>T, p.Pro234= (NM_001393363.1, NM_001393364.1); c.552C>T, p.Pro184= (NM_001393365.1).
Identifiers: ClinVar variation 534209 (VCV000534209.16), dbSNP rs371017739, ClinGen allele CA2300362.

ClinVar aggregate classification (germline): Conflicting classifications of pathogenicity. Review status: criteria provided, conflicting classifications (1 of 4 stars). 4 submissions from 4 submitters: Uncertain significance (1); Likely benign (2). 1 of the submissions does not count toward it. Last evaluated 2025-12-22.

Conditions:
CRTAP-related disorder. Also called: CRTAP-related condition.
Osteogenesis imperfecta (OI). Identifiers: Orphanet 666, MedGen C0029434, MeSH D010013, MONDO:0019019.
Osteogenesis imperfecta type 7 (OI7). Also called: OSTEOGENESIS IMPERFECTA, TYPE IIB; OI type 7; OI type VII; Osteogenesis imperfecta type 2B; OI type 2B; Osteogenesis imperfecta, perinatal lethal autosomal recessive. Identifiers: MedGen C1853162, MONDO:0012536, OMIM 610682.

Allele frequency attached by ClinVar (database versions not stated): gnomAD 0.00002; TOPMed 0.00003; gnomAD exomes 0.00004 and 0.00007; ExAC 0.00005; ESP Exome Variant Server 0.00008.
gnomAD v4.1: 102 of 1,614,088 alleles (0.0063%); highest among the groups gnomAD compares: Non-Finnish European, 0.0078%; no homozygotes.

Submissions (4):

Labcorp Genetics (formerly Invitae), Labcorp
Classification: Likely benign for Osteogenesis imperfecta type 7. Last evaluated: 2025-12-22. Review status: criteria provided, single submitter. Criteria: Invitae Variant Classification Sherloc (09022015). Collection method: clinical testing. Allele origin: germline.

Blueprint Genetics
Classification: Likely benign. Last evaluated: 2022-11-30. Review status: criteria provided, single submitter. Criteria: ACMG Guidelines, 2015. Collection method: clinical testing. Allele origin: germline.

Genome Diagnostics Laboratory, The Hospital for Sick Children
Classification: Uncertain significance for Osteogenesis imperfecta. Last evaluated: 2019-06-01. Review status: criteria provided, single submitter. Criteria: ACMG Guidelines, 2015. Collection method: clinical testing. Allele origin: germline.

PreventionGenetics, part of Exact Sciences
Classification: Likely benign for CRTAP-related condition. Last evaluated: 2019-04-01. Review status: no assertion criteria provided. Collection method: clinical testing. Allele origin: germline. Not counted in ClinVar's aggregate classification.
Comment: This variant is classified as likely benign based on ACMG/AMP sequence variant interpretation guidelines (Richards et al. 2015 PMID: 25741868, with internal and published modifications).